The following is an entry in ClinVar:

NM_153046.3(TDRD9):c.3890T>C (p.Val1297Ala)

Gene: TDRD9 (tudor domain containing 9; plus strand). Cytogenetic location: 14q32.33.
Variant type: single nucleotide variant.
Coding change: c.3890T>C on transcript NM_153046.3 (MANE Select); coding-DNA position 3890, T replaced by C.
Protein change: p.Val1297Ala; replaces valine 1297 with alanine.
Molecular consequence: missense variant.
Genome position (GRCh38, 1-based): chr14:104,042,103, T>C. VCF-style: chr14-104042103-T-C. GRCh37 (hg19) VCF-style: chr14-104508440-T-C.
Other names: short protein forms V1297A.
Identifiers: ClinVar variation 2644594 (VCV002644594.24), dbSNP rs2511254448, ClinGen allele CA391135995.

ClinVar aggregate classification (germline): Uncertain significance (1 of 4 stars; one submission).

Submission:

CeGaT Center for Human Genetics Tuebingen
Classification: Uncertain significance. Last evaluated: 2023-08-01. Review status: criteria provided, single submitter. Criteria: CeGaT Center For Human Genetics Tuebingen Variant Classification Criteria Version 2. Collection method: clinical testing. Allele origin: germline. Affected: yes. Observed: 1 variant allele.
Comment: TDRD9: PM2, BP4